The following is an entry in ClinVar:

ClinVar aggregate classification (germline): Uncertain significance (1 of 4 stars; one submission).

Conditions:
Hereditary cancer-predisposing syndrome. Also called: Tumor predisposition; Hereditary neoplastic syndrome; Hereditary Cancer Syndrome; Neoplastic Syndromes, Hereditary. Identifiers: Orphanet 140162, MedGen C0027672, MeSH D009386, MONDO:0015356.

Submission:

Ambry Genetics
Classification: Uncertain significance for Hereditary cancer-predisposing syndrome. Last evaluated: 2025-04-13. Review status: criteria provided, single submitter. Criteria: Ambry Variant Classification Scheme 2023. Collection method: clinical testing. Allele origin: germline.
Comment: The p.E303D variant (also known as c.909A>C), located in coding exon 7 of the RAD51C gene, results from an A to C substitution at nucleotide position 909. The glutamic acid at codon 303 is replaced by aspartic acid, an amino acid with highly similar properties. This amino acid position is conserved. In addition, this alteration is predicted to be tolerated by in silico analysis. Based on the available evidence, the clinical significance of this variant remains unclear.

NM_058216.3(RAD51C):c.909A>C (p.Glu303Asp)

Gene: RAD51C (RAD51 paralog C; plus strand). Cytogenetic location: 17q22.
Variant type: single nucleotide variant.
Coding change: c.909A>C on transcript NM_058216.3 (MANE Select); coding-DNA position 909, A replaced by C.
Protein change: p.Glu303Asp; replaces glutamic acid 303 with aspartic acid.
Molecular consequence: missense variant. On other transcripts: non-coding transcript variant (1).
Genome position (GRCh38, 1-based): chr17:58,724,044, A>C. VCF-style: chr17-58724044-A-C. GRCh37 (hg19) VCF-style: chr17-56801405-A-C.
Other names: short protein forms E303D.
Identifiers: ClinVar variation 3942361 (VCV003942361.1).